The following is an entry in ClinVar:

NM_175875.5(SIX5):c.1925G>T (p.Gly642Val)

Gene: SIX5 (SIX homeobox 5; minus strand). Cytogenetic location: 19q13.32.
Variant type: single nucleotide variant.
Coding change: c.1925G>T on transcript NM_175875.5 (MANE Select); coding-DNA position 1925, G replaced by T.
Protein change: p.Gly642Val; replaces glycine 642 with valine.
Molecular consequence: missense variant.
Genome position (GRCh38, 1-based): chr19:45,765,796, C>A on the plus strand (G>T on the coding strand, the complement: SIX5 is on the minus strand). VCF-style: chr19-45765796-C-A. GRCh37 (hg19) VCF-style: chr19-46269054-C-A.
Other names: short protein forms G642V.
Identifiers: ClinVar variation 3348693 (VCV003348693.1).

ClinVar aggregate classification (germline): Uncertain significance (0 of 4 stars; one submission).

Conditions:
SIX5-related disorder. Also called: SIX5-related condition.

Submission:

PreventionGenetics, part of Exact Sciences
Classification: Uncertain significance for SIX5-related condition. Last evaluated: 2024-03-06. Review status: no assertion criteria provided. Collection method: clinical testing. Allele origin: germline.
Comment: The SIX5 c.1925G>T variant is predicted to result in the amino acid substitution p.Gly642Val. To our knowledge, this variant has not been reported in the literature or in a large population database, indicating this variant is rare. At this time, the clinical significance of this variant is uncertain due to the absence of conclusive functional and genetic evidence.